The following is an entry in ClinVar:

NM_000135.4(FANCA):c.2398G>T (p.Glu800Ter)

Gene: FANCA (FA complementation group A; minus strand). Cytogenetic location: 16q24.3.
Variant type: single nucleotide variant.
Coding change: c.2398G>T on transcript NM_000135.4 (MANE Select); coding-DNA position 2398, G replaced by T.
Protein change: p.Glu800Ter; replaces glutamic acid 800 with a stop codon.
Molecular consequence: nonsense.
Genome position (GRCh38, 1-based): chr16:89,769,943, C>A on the plus strand (G>T on the coding strand, the complement: FANCA is on the minus strand). VCF-style: chr16-89769943-C-A. GRCh37 (hg19) VCF-style: chr16-89836351-C-A.
Other names: c.2398G>T (LRG_495t1); c.2398G>T, p.Glu800Ter (NM_001286167.3); short protein forms E800*.
Identifiers: ClinVar variation 435129 (VCV000435129.18), dbSNP rs1555547474, ClinGen allele CA397443878.

ClinVar aggregate classification (germline): Pathogenic. Review status: criteria provided, multiple submitters, no conflicts (2 of 4 stars). 4 submissions from 4 submitters: Pathogenic (2). 2 of the submissions do not count toward it. Last evaluated 2018-05-15.

Conditions:
Fanconi anemia (FA). Also called: Fanconi's anemia. Identifiers: Orphanet 84, MedGen C0015625, MeSH D005199, MONDO:0019391.
Fanconi anemia complementation group A (FANCA). Also called: FANCA-Related Fanconi Anemia; Fanconi anemia, group A. Identifiers: Orphanet 84, MedGen C3469521, MONDO:0009215, OMIM 227650.

Submissions (4):

Labcorp Genetics (formerly Invitae), Labcorp
Classification: Pathogenic for Fanconi anemia. Last evaluated: 2018-05-15. Review status: criteria provided, single submitter. Criteria: Invitae Variant Classification Sherloc (09022015). Collection method: clinical testing. Allele origin: germline.
Comment: Loss-of-function variants in FANCA are known to be pathogenic (PMID: 19367192). This variant has not been reported in the literature in individuals with FANCA-related disease. ClinVar contains an entry for this variant (Variation ID: 435129). This variant is not present in population databases (ExAC no frequency). This sequence change creates a premature translational stop signal (p.Glu800*) in the FANCA gene. It is expected to result in an absent or disrupted protein product. For these reasons, this variant has been classified as Pathogenic.

Genetic Services Laboratory, University of Chicago
Classification: Pathogenic for Fanconi anemia, complementation group A. Last evaluated: 2016-07-07. Review status: criteria provided, single submitter. Criteria: ACMG Guidelines, 2015. Collection method: clinical testing. Allele origin: germline. Affected: yes.

Natera, Inc.
Classification: Pathogenic for Fanconi anemia. Last evaluated: 2021-05-14. Review status: no assertion criteria provided. Collection method: clinical testing. Allele origin: germline. Not counted in ClinVar's aggregate classification.

Counsyl
Classification: Likely pathogenic for Fanconi anemia complementation group A. Last evaluated: 2017-12-18. Review status: no assertion criteria provided. Collection method: clinical testing. Allele origin: unknown. Not counted in ClinVar's aggregate classification.

Literature cited by the submitters: PubMed 19367192 (cited by Labcorp Genetics (formerly Invitae), Labcorp).